The following is an entry in ClinVar:

NM_001282468.3(GOLGA8M):c.1131G>T (p.Pro377=)

Gene: GOLGA8M (golgin A8 family member M; minus strand). Cytogenetic location: 15q13.1.
Variant type: single nucleotide variant.
Coding change: c.1131G>T on transcript NM_001282468.3 (MANE Select); coding-DNA position 1131, G replaced by T.
Protein change: p.Pro377=; no amino-acid change (proline 377 retained).
Molecular consequence: synonymous variant.
Genome position (GRCh38, 1-based): chr15:28,705,483, C>A on the plus strand (G>T on the coding strand, the complement: GOLGA8M is on the minus strand). VCF-style: chr15-28705483-C-A. GRCh37 (hg19) VCF-style: chr15-28950629-C-A.
Identifiers: ClinVar variation 2645093 (VCV002645093.24), dbSNP rs201411280, ClinGen allele CA489161670.

ClinVar aggregate classification (germline): Likely benign (1 of 4 stars; one submission).

Submission:

CeGaT Center for Human Genetics Tuebingen
Classification: Likely benign. Last evaluated: 2022-09-01. Review status: criteria provided, single submitter. Criteria: CeGaT Center For Human Genetics Tuebingen Variant Classification Criteria Version 2. Collection method: clinical testing. Allele origin: germline. Affected: yes. Observed: 1 variant allele.
Comment: GOLGA8M: BP4, BP7